The following is an entry in ClinVar:

NM_001379200.1(TBX1):c.1363T>C (p.Tyr455His)

Gene: TBX1 (T-box transcription factor 1; plus strand). Cytogenetic location: 22q11.21.
Variant type: single nucleotide variant.
Coding change: c.1363T>C on transcript NM_001379200.1 (MANE Select); coding-DNA position 1363, T replaced by C.
Protein change: p.Tyr455His; replaces tyrosine 455 with histidine.
Molecular consequence: missense variant. On other transcripts: intron variant (2).
Genome position (GRCh38, 1-based): chr22:19,766,715, T>C. VCF-style: chr22-19766715-T-C. GRCh37 (hg19) VCF-style: chr22-19754238-T-C.
Other names: c.1336T>C, p.Tyr446His (NM_080647.1); c.1009+713T>C (NM_005992.1, NM_080646.2); short protein forms Y446H, Y455H.
Identifiers: ClinVar variation 2739099 (VCV002739099.3), dbSNP rs2517859159, ClinGen allele CA410685133.

ClinVar aggregate classification (germline): Uncertain significance (1 of 4 stars; one submission).

Conditions:
DiGeorge syndrome. Also called: THIRD AND FOURTH PHARYNGEAL POUCH SYNDROME; Catch22. Identifiers: Orphanet 567, MedGen C0012236, MONDO:0008564, OMIM 188400.

Submission:

Labcorp Genetics (formerly Invitae), Labcorp
Classification: Uncertain significance for DiGeorge syndrome. Last evaluated: 2024-02-09. Review status: criteria provided, single submitter. Criteria: Invitae Variant Classification Sherloc (09022015). Collection method: clinical testing. Allele origin: germline.
Comment: This sequence change replaces tyrosine, which is neutral and polar, with histidine, which is basic and polar, at codon 446 of the TBX1 protein (p.Tyr446His). This variant is not present in population databases (gnomAD no frequency). This variant has not been reported in the literature in individuals affected with TBX1-related conditions. An algorithm developed to predict the effect of missense changes on protein structure and function (PolyPhen-2) suggests that this variant is likely to be disruptive. In summary, the available evidence is currently insufficient to determine the role of this variant in disease. Therefore, it has been classified as a Variant of Uncertain Significance.